The following is an entry in ClinVar:

NM_001163435.3(TBCK):c.2038C>T (p.Leu680Phe)

Gene: TBCK (TBC1 domain containing kinase; minus strand). Cytogenetic location: 4q24.
Variant type: single nucleotide variant.
Coding change: c.2038C>T on transcript NM_001163435.3 (MANE Select); coding-DNA position 2038, C replaced by T.
Protein change: p.Leu680Phe; replaces leucine 680 with phenylalanine.
Molecular consequence: missense variant.
Genome position (GRCh38, 1-based): chr4:106,193,630, G>A on the plus strand (C>T on the coding strand, the complement: TBCK is on the minus strand). VCF-style: chr4-106193630-G-A. GRCh37 (hg19) VCF-style: chr4-107114787-G-A.
Other names: c.2038C>T, p.Leu680Phe (NM_001163436.4); c.1921C>T, p.Leu641Phe (NM_001163437.3); c.1522C>T, p.Leu508Phe (NM_001290768.2); c.1849C>T, p.Leu617Phe (NM_033115.5); short protein forms L617F, L508F, L641F, L680F.
Identifiers: ClinVar variation 1401933 (VCV001401933.3), dbSNP rs751033963, ClinGen allele CA3034827.

ClinVar aggregate classification (germline): Uncertain significance (1 of 4 stars; one submission).

Allele frequency attached by ClinVar (database versions not stated): TOPMed 0.00001; ExAC 0.00002; gnomAD exomes 0.00002.
gnomAD v4.1: 6 of 1,613,312 alleles (0.00037%); highest among the groups gnomAD compares: Admixed American, 0.01%; no homozygotes.

Submission:

Labcorp Genetics (formerly Invitae), Labcorp
Classification: Uncertain significance. Last evaluated: 2022-01-26. Review status: criteria provided, single submitter. Criteria: Invitae Variant Classification Sherloc (09022015). Collection method: clinical testing. Allele origin: germline.
Comment: This sequence change replaces leucine, which is neutral and non-polar, with phenylalanine, which is neutral and non-polar, at codon 680 of the TBCK protein (p.Leu680Phe). This variant is present in population databases (rs751033963, gnomAD 0.02%). This variant has not been reported in the literature in individuals affected with TBCK-related conditions. Algorithms developed to predict the effect of missense changes on protein structure and function are either unavailable or do not agree on the potential impact of this missense change (SIFT: "Tolerated"; PolyPhen-2: "Probably Damaging"; Align-GVGD: "Class C0"). In summary, the available evidence is currently insufficient to determine the role of this variant in disease. Therefore, it has been classified as a Variant of Uncertain Significance.